The following is an entry in ClinVar:

ClinVar aggregate classification (germline): Conflicting classifications of pathogenicity. Review status: criteria provided, conflicting classifications (1 of 4 stars). 2 submissions from 2 submitters: Pathogenic (1); Uncertain significance (1). Last evaluated 2024-09-17.

Conditions:
Cataract 14 multiple types. Also called: CATARACT 14, ZONULAR PULVERULENT; CATARACT 14, NUCLEAR PULVERULENT; CATARACT 14, NUCLEAR PULVERULENT AND POSTERIOR POLAR; CATARACT 14, NUCLEAR CORALLIFORM; CATARACT 14, EMBRYONAL NUCLEAR; CATARACT 14, COPPOCK-LIKE. Identifiers: Orphanet 91492, MedGen C1866078, MONDO:0011162, OMIM 601885.

Submissions (2):

Labcorp Genetics (formerly Invitae), Labcorp
Classification: Pathogenic for Cataract 14 multiple types. Last evaluated: 2024-09-17. Review status: criteria provided, single submitter. Criteria: Invitae Variant Classification Sherloc (09022015). Collection method: clinical testing. Allele origin: germline.
Comment: This sequence change replaces glutamic acid, which is acidic and polar, with lysine, which is basic and polar, at codon 48 of the GJA3 protein (p.Glu48Lys). This variant is not present in population databases (gnomAD no frequency). This missense change has been observed in individual(s) with autosomal dominant congenital cataract (PMID: 34014271). In at least one individual the variant was observed to be de novo. Invitae Evidence Modeling of protein sequence and biophysical properties (such as structural, functional, and spatial information, amino acid conservation, physicochemical variation, residue mobility, and thermodynamic stability) indicates that this missense variant is expected to disrupt GJA3 protein function with a positive predictive value of 80%. This variant disrupts the p.Glu48 amino acid residue in GJA3. Other variant(s) that disrupt this residue have been determined to be pathogenic (PMID: 26683566). This suggests that this residue is clinically significant, and that variants that disrupt this residue are likely to be disease-causing. For these reasons, this variant has been classified as Pathogenic.

Dept. Genetics and Cancer, Menzies Institute for Medical Research, University of Tasmania
Classification: Uncertain significance for Cataract 14 multiple types. Last evaluated: 2023-01-21. Review status: criteria provided, single submitter. Criteria: ACMG Guidelines, 2015. Collection method: curation. Allele origin: germline. Affected: yes.
Comment: Variant identified and curated during a GJA3 specific review of the literature in relation to pediatric or congenital cataract. ACMG-AMP criteria applied: PM1, PM2(Supporting), PM5(Supporting), PP3. Original variant report: PMID:34014271. The cataract phenotype reported for this variant is: Total. Gene review and curation guidelines are outlined in: DOI 10.1080/17469899.2023.2160320

Literature cited by the submitters: PubMed 34014271 (cited by Labcorp Genetics (formerly Invitae), Labcorp and Dept. Genetics and Cancer, Menzies Institute for Medical Research, University of Tasmania); PubMed 26683566 (cited by Labcorp Genetics (formerly Invitae), Labcorp).

NM_021954.4(GJA3):c.142G>A (p.Glu48Lys)

Gene: GJA3 (gap junction protein alpha 3; minus strand). Cytogenetic location: 13q12.11.
Variant type: single nucleotide variant.
Coding change: c.142G>A on transcript NM_021954.4 (MANE Select); coding-DNA position 142, G replaced by A.
Protein change: p.Glu48Lys; replaces glutamic acid 48 with lysine.
Molecular consequence: missense variant.
Genome position (GRCh38, 1-based): chr13:20,143,147, C>T on the plus strand (G>A on the coding strand, the complement: GJA3 is on the minus strand). VCF-style: chr13-20143147-C-T. GRCh37 (hg19) VCF-style: chr13-20717286-C-T.
Other names: short protein forms E48K.
Identifiers: ClinVar variation 3253682 (VCV003253682.3), dbSNP rs2500174109.